The following is an entry in ClinVar:

ClinVar aggregate classification (germline): Uncertain significance (1 of 4 stars; one submission).

Submission:

Mayo Clinic Laboratories, Mayo Clinic
Classification: Uncertain significance. Last evaluated: 2023-11-24. Review status: criteria provided, single submitter. Criteria: ACMG Guidelines, 2015. Collection method: clinical testing. Allele origin: germline. Observed: 1 variant allele.
Comment: PM2

NM_012200.4(B3GAT3):c.35A>G (p.Tyr12Cys)

Gene: B3GAT3 (beta-1,3-glucuronyltransferase 3; minus strand). Cytogenetic location: 11q12.3.
Variant type: single nucleotide variant.
Coding change: c.35A>G on transcript NM_012200.4 (MANE Select); coding-DNA position 35, A replaced by G.
Protein change: p.Tyr12Cys; replaces tyrosine 12 with cysteine.
Molecular consequence: missense variant. On other transcripts: 5 prime UTR variant (1), non-coding transcript variant (1).
Genome position (GRCh38, 1-based): chr11:62,621,913, T>C on the plus strand (A>G on the coding strand, the complement: B3GAT3 is on the minus strand). VCF-style: chr11-62621913-T-C. GRCh37 (hg19) VCF-style: chr11-62389385-T-C.
Other names: p.Tyr12Cys; c.-226A>G (NM_001288721.2); c.35A>G, p.Tyr12Cys (NM_001288722.2, NM_001288723.2); short protein forms Y12C.
Identifiers: ClinVar variation 3380022 (VCV003380022.1).